The following is an entry in ClinVar:

NM_138691.3(TMC1):c.2133G>A (p.Leu711=)

Gene: TMC1 (transmembrane channel like 1; plus strand). Cytogenetic location: 9q21.13.
Variant type: single nucleotide variant.
Coding change: c.2133G>A on transcript NM_138691.3 (MANE Select); coding-DNA position 2133, G replaced by A.
Protein change: p.Leu711=; no amino-acid change (leucine 711 retained).
Molecular consequence: synonymous variant.
Genome position (GRCh38, 1-based): chr9:72,830,454, G>A. VCF-style: chr9-72830454-G-A. GRCh37 (hg19) VCF-style: chr9-75445370-G-A.
Other names: c.2133G>A (NM_138691.2).
Identifiers: ClinVar variation 2975496 (VCV002975496.5), dbSNP rs535337741, ClinGen allele CA5082162.

ClinVar aggregate classification (germline): Conflicting classifications of pathogenicity. Review status: criteria provided, conflicting classifications (1 of 4 stars). 2 submissions from 2 submitters: Uncertain significance (1); Likely benign (1). Last evaluated 2025-06-30.

Allele frequency attached by ClinVar (database versions not stated): gnomAD exomes 0.00001; TOPMed 0.00001; gnomAD 0.00002; ExAC 0.00005; 1000 Genomes Project 30x 0.00031; 1000 Genomes Project 0.00040.

Submissions (2):

GeneDx
Classification: Uncertain significance. Last evaluated: 2025-06-30. Review status: criteria provided, single submitter. Criteria: GeneDx Variant Classification Process June 2021. Collection method: clinical testing. Allele origin: germline. Affected: yes.
Comment: In silico analysis suggests that this variant does not alter splicing; Has not been previously published as pathogenic or benign to our knowledge

Labcorp Genetics (formerly Invitae), Labcorp
Classification: Likely benign. Last evaluated: 2024-05-06. Review status: criteria provided, single submitter. Criteria: Invitae Variant Classification Sherloc (09022015). Collection method: clinical testing. Allele origin: germline.